The following is an entry in ClinVar:

ClinVar aggregate classification (germline): Uncertain significance (1 of 4 stars; one submission).

Allele frequency attached by ClinVar (database versions not stated): gnomAD exomes below 0.00001.
gnomAD v4.1: 1 of 1,605,192 alleles (0.000062%); highest among the groups gnomAD compares: Admixed American, 0.0017%; no homozygotes.

Submission:

Laboratory for Molecular Medicine, Mass General Brigham Personalized Medicine
Classification: Uncertain significance. Last evaluated: 2015-06-23. Review status: criteria provided, single submitter. Criteria: LMM Criteria. Collection method: clinical testing. Allele origin: germline. Observed: 1 variant allele.
Comment: The p.Gly622Ser variant in TSPEAR has not been previously reported in individual s with hearing loss and data from large population studies is insufficient to as sess the frequency of this variant. Computational prediction tools and conservat ion analyses do not provide strong support for or against an impact to the prote in. In summary, the clinical significance of the p.Gly622Ser variant is uncertai n.

NM_144991.3(TSPEAR):c.1864G>A (p.Gly622Ser)

Gene: TSPEAR (thrombospondin type laminin G domain and EAR repeats; minus strand). Cytogenetic location: 21q22.3.
Variant type: single nucleotide variant.
Coding change: c.1864G>A on transcript NM_144991.3 (MANE Select); coding-DNA position 1864, G replaced by A.
Protein change: p.Gly622Ser; replaces glycine 622 with serine.
Molecular consequence: missense variant.
Genome position (GRCh38, 1-based): chr21:44,499,929, C>T on the plus strand (G>A on the coding strand, the complement: TSPEAR is on the minus strand). VCF-style: chr21-44499929-C-T. GRCh37 (hg19) VCF-style: chr21-45919812-C-T.
Other names: c.1660G>A, p.Gly554Ser (NM_001272037.2); short protein forms G622S, G554S.
Identifiers: ClinVar variation 229374 (VCV000229374.5), dbSNP rs876658039, ClinGen allele CA10577213.
Genomic context (GRCh38, chr21:44,499,929, plus strand): 5'-CCTCCCAGTCCCTGCAGCCGACGGTGGGGAGGCTGTGCACCGCCACGAAGCCCTCGTAGC[C>T]CTGCCACCTGCGGAACAGACAGCGGCAGCCGGGTCAGCCTGGGCTCTGCGGGGCAGCTCC-3'
Protein context (NP_659428.2, residues 612-632): SVNSIIYRWQ[Gly622Ser]YEGFVAVHSL